The following is an entry in ClinVar:

NM_007294.4(BRCA1):c.25G>A (p.Glu9Lys)

Gene: BRCA1 (BRCA1 DNA repair associated; minus strand). Cytogenetic location: 17q21.31.
Variant type: single nucleotide variant.
Coding change: c.25G>A on transcript NM_007294.4 (MANE Select); coding-DNA position 25, G replaced by A.
Protein change: p.Glu9Lys; replaces glutamic acid 9 with lysine.
Molecular consequence: missense variant. On other transcripts: 5 prime UTR variant (1), non-coding transcript variant (1).
Genome position (GRCh38, 1-based): chr17:43,124,072, C>T on the plus strand (G>A on the coding strand, the complement: BRCA1 is on the minus strand). VCF-style: chr17-43124072-C-T. GRCh37 (hg19) VCF-style: chr17-41276089-C-T.
Other names: c.25G>A, p.Glu9Lys (NM_001407972.1, NM_001407973.1, NM_001407974.1 and 193 more transcripts); c.-236G>A (NM_001408410.1, NM_001408452.1, NM_001408462.1 and 22 more transcripts); c.-63G>A (NM_001408454.1, NM_001408459.1, NM_001408460.1 and 23 more transcripts); c.-233G>A (NM_001408455.1, NM_001408456.1, NM_001408468.1 and 11 more transcripts); c.-237G>A (NM_001408465.1, NM_001407695.1); c.-164G>A (NM_001408478.1, NM_001408479.1, NM_001408480.1 and 46 more transcripts); c.-309G>A (NM_001408482.1); c.-280G>A (NM_001408492.1, NM_001407889.1); and 8 more; short protein forms E9K.
Identifiers: ClinVar variation 868704 (VCV000868704.3), dbSNP rs1567823437, ClinGen allele CA10602115.
Genomic context (GRCh38, chr17:43,124,072, plus strand): 5'-CTTACCAGATGGGACACTCTAAGATTTTCTGCATAGCATTAATGACATTTTGTACTTCTT[C>T]AACGCGAAGAGCAGATAAATCCATTTCTTTCTGTTCCAATGAACTTTAACACATTAGAAA-3'
Protein context (NP_009225.1, residues 1-19): MDLSALRV[Glu9Lys]EVQNVINAMQ

Conditions:
Breast-ovarian cancer, familial, susceptibility to, 1 (BROVCA1). Also called: BRCA1 Hereditary Breast and Ovarian Cancer; OVARIAN CANCER, SUSCEPTIBILITY TO. Identifiers: Orphanet 145, MedGen C2676676, MONDO:0011450, OMIM 604370. Disease mechanism: loss of function.

Submission:

Brotman Baty Institute, University of Washington
No classification provided (evidence only). Condition: Breast-ovarian cancer, familial 1. Review status: no classification provided. Collection method: in vitro. Allele origin: not applicable. Functional consequence: functionally_normal.
ClinVar note: "not provided" was previously submitted as the classification for the variant. However, the classification appeared to be based only on an observation of functional data so it was converted to no classification on 2025-07-30.